The following is an entry in ClinVar:

NC_000005.9:g.(?_158743693)_(158753790_?)dup

Gene: IL12B (interleukin 12B; minus strand). Cytogenetic location: 5q33.3.
Variant type: Duplication.
Identifiers: ClinVar variation 1463510 (VCV001463510.5).

ClinVar aggregate classification (germline): Uncertain significance (1 of 4 stars; one submission).

Conditions:
Mendelian susceptibility to mycobacterial diseases due to complete IL12B deficiency. Also called: IL12B DEFICIENCY; Immunodeficiency 29. Identifiers: Orphanet 319558, MedGen C4013948, MONDO:0013954, OMIM 614890.

Submission:

Labcorp Genetics (formerly Invitae), Labcorp
Classification: Uncertain significance for Mendelian susceptibility to mycobacterial diseases due to complete IL12B deficiency. Last evaluated: 2022-01-28. Review status: criteria provided, single submitter. Criteria: Invitae Variant Classification Sherloc (09022015). Collection method: clinical testing. Allele origin: germline.
Comment: In summary, the available evidence is currently insufficient to determine the role of this variant in disease. Therefore, it has been classified as a Variant of Uncertain Significance. This variant has not been reported in the literature in individuals affected with IL12B-related conditions. A copy number gain of the genomic region encompassing the full coding sequence of the IL12B gene has been identified. The boundaries of this event are unknown as they extend beyond the assayed region for this gene and therefore may encompass additional genes. As the precise location of this event is unknown, it may be in tandem or it may be located elsewhere in the genome.